The following is an entry in ClinVar:

NM_024665.7(TBL1XR1):c.521T>A (p.Ile174Asn)

Gene: TBL1XR1 (TBL1X/Y related 1; minus strand). Cytogenetic location: 3q26.32.
Variant type: single nucleotide variant.
Coding change: c.521T>A on transcript NM_024665.7 (MANE Select); coding-DNA position 521, T replaced by A.
Protein change: p.Ile174Asn; replaces isoleucine 174 with asparagine.
Molecular consequence: missense variant.
Genome position (GRCh38, 1-based): chr3:177,050,517, A>T on the plus strand (T>A on the coding strand, the complement: TBL1XR1 is on the minus strand). VCF-style: chr3-177050517-A-T. GRCh37 (hg19) VCF-style: chr3-176768305-A-T.
Other names: c.521T>A, p.Ile174Asn (NM_001321193.3, NM_001321194.3, NM_001374327.1 and 2 more transcripts); c.260T>A, p.Ile87Asn (NM_001321195.3, NM_001374330.1); short protein forms I174N, I87N.
Identifiers: ClinVar variation 1020695 (VCV001020695.8), dbSNP rs1716918794, ClinGen allele CA355552801.

ClinVar aggregate classification (germline): Uncertain significance (1 of 4 stars; one submission).

Conditions:
Pierpont syndrome (PRPTS). Identifiers: Orphanet 487825, MedGen C1865644, MONDO:0011213, OMIM 602342.

Submission:

Labcorp Genetics (formerly Invitae), Labcorp
Classification: Uncertain significance for Pierpont syndrome. Last evaluated: 2024-10-15. Review status: criteria provided, single submitter. Criteria: Invitae Variant Classification Sherloc (09022015). Collection method: clinical testing. Allele origin: germline.
Comment: This sequence change replaces isoleucine, which is neutral and non-polar, with asparagine, which is neutral and polar, at codon 174 of the TBL1XR1 protein (p.Ile174Asn). This variant is not present in population databases (gnomAD no frequency). This variant has not been reported in the literature in individuals affected with TBL1XR1-related conditions. ClinVar contains an entry for this variant (Variation ID: 1020695). Invitae Evidence Modeling of protein sequence and biophysical properties (such as structural, functional, and spatial information, amino acid conservation, physicochemical variation, residue mobility, and thermodynamic stability) indicates that this missense variant is expected to disrupt TBL1XR1 protein function with a positive predictive value of 95%. In summary, the available evidence is currently insufficient to determine the role of this variant in disease. Therefore, it has been classified as a Variant of Uncertain Significance.